The following is an entry in ClinVar:

NM_005751.5(AKAP9):c.5456C>G (p.Thr1819Arg)

Gene: AKAP9 (A-kinase anchoring protein 9; plus strand). Cytogenetic location: 7q21.2.
Variant type: single nucleotide variant.
Coding change: c.5456C>G on transcript NM_005751.5 (MANE Select); coding-DNA position 5456, C replaced by G.
Protein change: p.Thr1819Arg; replaces threonine 1819 with arginine.
Molecular consequence: missense variant.
Genome position (GRCh38, 1-based): chr7:92,052,813, C>G. VCF-style: chr7-92052813-C-G. GRCh37 (hg19) VCF-style: chr7-91682127-C-G.
Other names: c.5456C>G, p.Thr1819Arg (NM_147185.3); short protein forms T1819R.
Identifiers: ClinVar variation 526976 (VCV000526976.8), dbSNP rs745708169, ClinGen allele CA4336791.

ClinVar aggregate classification (germline): Uncertain significance (1 of 4 stars; one submission).

Conditions:
Long QT syndrome (LQTS). Identifiers: MedGen C0023976, MeSH D008133, MONDO:0002442. Disease mechanism: loss of function. Inheritance: Various modes of inheritance.

Allele frequency attached by ClinVar (database versions not stated): ExAC 0.00001; gnomAD exomes 0.00001.
gnomAD v4.1: 3 of 1,613,742 alleles (0.00019%); highest among the groups gnomAD compares: Admixed American, 0.005%; no homozygotes.

Submission:

Labcorp Genetics (formerly Invitae), Labcorp
Classification: Uncertain significance for Long QT syndrome. Last evaluated: 2024-09-12. Review status: criteria provided, single submitter. Criteria: Invitae Variant Classification Sherloc (09022015). Collection method: clinical testing. Allele origin: germline.
Comment: This sequence change replaces threonine, which is neutral and polar, with arginine, which is basic and polar, at codon 1819 of the AKAP9 protein (p.Thr1819Arg). This variant is present in population databases (rs745708169, gnomAD 0.009%). This variant has not been reported in the literature in individuals affected with AKAP9-related conditions. ClinVar contains an entry for this variant (Variation ID: 526976). An algorithm developed to predict the effect of missense changes on protein structure and function (PolyPhen-2) suggests that this variant is likely to be disruptive. In summary, the available evidence is currently insufficient to determine the role of this variant in disease. Therefore, it has been classified as a Variant of Uncertain Significance.